The following is an entry in ClinVar:

ClinVar aggregate classification (germline): Uncertain significance (1 of 4 stars; one submission).

Conditions:
Epileptic encephalopathy. Identifiers: MedGen C0543888, HP:0200134.

Allele frequency attached by ClinVar (database versions not stated): gnomAD exomes below 0.00001 and 0.00001; TOPMed below 0.00001; ExAC 0.00002; gnomAD 0.00002.

Submission:

Labcorp Genetics (formerly Invitae), Labcorp
Classification: Uncertain significance for Epileptic encephalopathy. Last evaluated: 2024-01-29. Review status: criteria provided, single submitter. Criteria: Invitae Variant Classification Sherloc (09022015). Collection method: clinical testing. Allele origin: germline.
Comment: This sequence change replaces aspartic acid, which is acidic and polar, with asparagine, which is neutral and polar, at codon 24 of the FASN protein (p.Asp24Asn). This variant is present in population databases (rs760285361, gnomAD 0.009%). This variant has not been reported in the literature in individuals affected with FASN-related conditions. ClinVar contains an entry for this variant (Variation ID: 1346137). An algorithm developed to predict the effect of missense changes on protein structure and function (PolyPhen-2) suggests that this variant is likely to be tolerated. In summary, the available evidence is currently insufficient to determine the role of this variant in disease. Therefore, it has been classified as a Variant of Uncertain Significance.

NM_004104.5(FASN):c.70G>A (p.Asp24Asn)

Gene: FASN (fatty acid synthase; minus strand). Cytogenetic location: 17q25.3.
Variant type: single nucleotide variant.
Coding change: c.70G>A on transcript NM_004104.5 (MANE Select); coding-DNA position 70, G replaced by A.
Protein change: p.Asp24Asn; replaces aspartic acid 24 with asparagine.
Molecular consequence: missense variant.
Genome position (GRCh38, 1-based): chr17:82,096,376, C>T on the plus strand (G>A on the coding strand, the complement: FASN is on the minus strand). VCF-style: chr17-82096376-C-T. GRCh37 (hg19) VCF-style: chr17-80054252-C-T.
Other names: short protein forms D24N.
Identifiers: ClinVar variation 1346137 (VCV001346137.6), dbSNP rs760285361, ClinGen allele CA8853689.